The following is an entry in ClinVar:

ClinVar aggregate classification (germline): Uncertain significance. Review status: criteria provided, multiple submitters, no conflicts (2 of 4 stars). 2 submissions from 2 submitters: Uncertain significance (2). Last evaluated 2026-01-19.

Conditions:
Inborn genetic diseases. Identifiers: MedGen C0950123, MeSH D030342.
Baller-Gerold syndrome (BGS). Also called: CRANIOSYNOSTOSIS WITH RADIAL DEFECTS. Identifiers: Orphanet 1225, MedGen C0265308, MONDO:0009039, OMIM 218600.

Allele frequency attached by ClinVar (database versions not stated): gnomAD exomes below 0.00001.
gnomAD v4.1: 1 of 1,549,314 alleles (0.000065%); highest among the groups gnomAD compares: Admixed American, 0.0019%; no homozygotes.

Submissions (2):

Labcorp Genetics (formerly Invitae), Labcorp
Classification: Uncertain significance for Baller-Gerold syndrome. Last evaluated: 2026-01-19. Review status: criteria provided, single submitter. Criteria: Invitae Variant Classification Sherloc (09022015). Collection method: clinical testing. Allele origin: germline.
Comment: This sequence change replaces aspartic acid, which is acidic and polar, with glycine, which is neutral and non-polar, at codon 683 of the RECQL4 protein (p.Asp683Gly). This variant is not present in population databases (gnomAD no frequency). This variant has not been reported in the literature in individuals affected with RECQL4-related conditions. ClinVar contains an entry for this variant (Variation ID: 1011566). Invitae Evidence Modeling of protein sequence and biophysical properties (such as structural, functional, and spatial information, amino acid conservation, physicochemical variation, residue mobility, and thermodynamic stability) indicates that this missense variant is expected to disrupt RECQL4 protein function with a positive predictive value of 80%. In summary, the available evidence is currently insufficient to determine the role of this variant in disease. Therefore, it has been classified as a Variant of Uncertain Significance.

Ambry Genetics
Classification: Uncertain significance for Inborn genetic diseases. Last evaluated: 2025-07-18. Review status: criteria provided, single submitter. Criteria: Ambry Variant Classification Scheme 2023. Collection method: clinical testing. Allele origin: germline.
Comment: The p.D683G variant (also known as c.2048A>G), located in coding exon 12 of the RECQL4 gene, results from an A to G substitution at nucleotide position 2048. The aspartic acid at codon 683 is replaced by glycine, an amino acid with similar properties. This amino acid position is conserved. In addition, this alteration is predicted to be tolerated by in silico analysis. Based on the available evidence, the clinical significance of this variant remains unclear.

NM_004260.4(RECQL4):c.2048A>G (p.Asp683Gly)

Gene: RECQL4 (RecQ like helicase 4; minus strand). Cytogenetic location: 8q24.3.
Variant type: single nucleotide variant.
Coding change: c.2048A>G on transcript NM_004260.4 (MANE Select); coding-DNA position 2048, A replaced by G.
Protein change: p.Asp683Gly; replaces aspartic acid 683 with glycine.
Molecular consequence: missense variant.
Genome position (GRCh38, 1-based): chr8:144,513,938, T>C on the plus strand (A>G on the coding strand, the complement: RECQL4 is on the minus strand). VCF-style: chr8-144513938-T-C. GRCh37 (hg19) VCF-style: chr8-145739322-T-C.
Other names: c.2048A>G (NM_004260.3); short protein forms D683G.
Identifiers: ClinVar variation 1011566 (VCV001011566.4), dbSNP rs1827765739, ClinGen allele CA372680238.